The following is an entry in ClinVar:

NM_198578.4(LRRK2):c.3470G>A (p.Ser1157Asn)

Gene: LRRK2 (leucine rich repeat kinase 2; plus strand). Cytogenetic location: 12q12.
Variant type: single nucleotide variant.
Coding change: c.3470G>A on transcript NM_198578.4 (MANE Select); coding-DNA position 3470, G replaced by A.
Protein change: p.Ser1157Asn; replaces serine 1157 with asparagine.
Molecular consequence: missense variant.
Genome position (GRCh38, 1-based): chr12:40,299,231, G>A. VCF-style: chr12-40299231-G-A. GRCh37 (hg19) VCF-style: chr12-40693033-G-A.
Other names: short protein forms S1157N.
Identifiers: ClinVar variation 1731737 (VCV001731737.2), dbSNP rs2499757366, ClinGen allele CA384415941.

ClinVar aggregate classification (germline): Uncertain significance (1 of 4 stars; one submission).

Conditions:
Inborn genetic diseases. Identifiers: MedGen C0950123, MeSH D030342.

Allele frequency attached by ClinVar (database versions not stated): gnomAD exomes below 0.00001.
gnomAD v4.1: 1 of 1,613,440 alleles (0.000062%); highest among the groups gnomAD compares: Non-Finnish European, 0.000085%; no homozygotes.

Submission:

Ambry Genetics
Classification: Uncertain significance for Inborn genetic diseases. Last evaluated: 2022-03-14. Review status: criteria provided, single submitter. Criteria: Ambry Variant Classification Scheme 2023. Collection method: clinical testing. Allele origin: germline.
Comment: The p.S1157N variant (also known as c.3470G>A), located in coding exon 25 of the LRRK2 gene, results from a G to A substitution at nucleotide position 3470. The serine at codon 1157 is replaced by asparagine, an amino acid with highly similar properties. This amino acid position is conserved. In addition, this alteration is predicted to be tolerated by in silico analysis. Since supporting evidence is limited at this time, the clinical significance of this alteration remains unclear.